The following is an entry in ClinVar:

ClinVar aggregate classification (germline): Conflicting classifications of pathogenicity. Review status: criteria provided, conflicting classifications (1 of 4 stars). 5 submissions from 5 submitters: Likely pathogenic (2); Uncertain significance (1). 2 of the submissions do not count toward it. Last evaluated 2024-04-22.

Conditions:
Retinal dystrophy. Also called: Inherited retinal dystrophy. Identifiers: Orphanet 71862, MedGen C0854723, MeSH D058499, MONDO:0019118, HP:0000556.
Retinitis pigmentosa (RP). Identifiers: Orphanet 791, MedGen C0035334, MeSH D012174, MONDO:0019200, OMIM 268000. Inheritance: Autosomal dominant, autosomal recessive and X linked inheritance.

gnomAD v4.1: 10 of 1,613,804 alleles (0.00062%); highest among the groups gnomAD compares: East Asian, 0.011%; no homozygotes.

Submissions (5):

Labcorp Genetics (formerly Invitae), Labcorp
Classification: Likely pathogenic. Last evaluated: 2024-04-22. Review status: criteria provided, single submitter. Criteria: Invitae Variant Classification Sherloc (09022015). Collection method: clinical testing. Allele origin: germline.
Comment: This sequence change replaces glutamic acid, which is acidic and polar, with lysine, which is basic and polar, at codon 526 of the PDE6B protein (p.Glu526Lys). This variant is not present in population databases (gnomAD no frequency). This missense change has been observed in individuals with autosomal recessive retinitis pigmentosa (PMID: 25324289, 30718709, 31213501, 36464167). ClinVar contains an entry for this variant (Variation ID: 143066). Advanced modeling of protein sequence and biophysical properties (such as structural, functional, and spatial information, amino acid conservation, physicochemical variation, residue mobility, and thermodynamic stability) has been performed at Invitae for this missense variant, however the output from this modeling did not meet the statistical confidence thresholds required to predict the impact of this variant on PDE6B protein function. In summary, the currently available evidence indicates that the variant is pathogenic, but additional data are needed to prove that conclusively. Therefore, this variant has been classified as Likely Pathogenic.

Dept Of Ophthalmology, Nagoya University
Classification: Likely pathogenic for Retinal dystrophy. Last evaluated: 2023-10-01. Review status: criteria provided, single submitter. Criteria: Submitter's publication. Collection method: research. Allele origin: germline. Affected: yes.

Blueprint Genetics
Classification: Uncertain significance. Last evaluated: 2019-01-16. Review status: criteria provided, single submitter. Criteria: ACMG Guidelines, 2015. Collection method: clinical testing. Allele origin: germline.

Department of Clinical Genetics, Copenhagen University Hospital, Rigshospitalet
Classification: Likely pathogenic for Retinitis pigmentosa. Last evaluated: 2018-04-01. Review status: no assertion criteria provided. Collection method: research. Allele origin: unknown. Affected: yes. Study: VeluxRD. Not counted in ClinVar's aggregate classification.

Department of Ophthalmology and Visual Sciences Kyoto University
Classification: Likely pathogenic for Retinitis pigmentosa. Review status: no assertion criteria provided. Collection method: not provided. Allele origin: unknown. Not counted in ClinVar's aggregate classification.
ClinVar note: Converted during submission from probable-pathogenic to Likely pathogenic.

Literature cited by the submitters: PubMed 25324289 (cited by Labcorp Genetics (formerly Invitae), Labcorp); PubMed 30718709 (cited by Labcorp Genetics (formerly Invitae), Labcorp and Department of Clinical Genetics, Copenhagen University Hospital, Rigshospitalet); PubMed 31213501 (cited by Labcorp Genetics (formerly Invitae), Labcorp); PubMed 36464167 (cited by Labcorp Genetics (formerly Invitae), Labcorp).

NM_000283.4(PDE6B):c.1576G>A (p.Glu526Lys)

Gene: PDE6B (phosphodiesterase 6B; plus strand). Cytogenetic location: 4p16.3.
Variant type: single nucleotide variant.
Coding change: c.1576G>A on transcript NM_000283.4 (MANE Select); coding-DNA position 1576, G replaced by A.
Protein change: p.Glu526Lys; replaces glutamic acid 526 with lysine.
Molecular consequence: missense variant.
Genome position (GRCh38, 1-based): chr4:660,575, G>A. VCF-style: chr4-660575-G-A. GRCh37 (hg19) VCF-style: chr4-654364-G-A.
Other names: c.1576G>A, p.Glu526Lys (NM_001145291.2); c.739G>A, p.Glu247Lys (NM_001145292.2, NM_001350154.3, NM_001379246.1 and 1 more transcripts); c.421G>A, p.Glu141Lys (NM_001350155.3); short protein forms E526K, E141K, E247K.
Identifiers: ClinVar variation 143066 (VCV000143066.11), dbSNP rs527236091, ClinGen allele CA270008.